The following is an entry in ClinVar:

ClinVar aggregate classification (germline): Uncertain significance. Review status: criteria provided, multiple submitters, no conflicts (2 of 4 stars). 2 submissions from 2 submitters: Uncertain significance (2). Last evaluated 2024-11-09.

Conditions:
Epileptic encephalopathy. Identifiers: MedGen C0543888, HP:0200134.

Allele frequency attached by ClinVar (database versions not stated): gnomAD exomes below 0.00001 and 0.00002.
gnomAD v4.1: 25 of 1,611,246 alleles (0.0016%); highest among the groups gnomAD compares: Non-Finnish European, 0.0021%; no homozygotes.

Submissions (2):

Ambry Genetics
Classification: Uncertain significance. Last evaluated: 2024-11-09. Review status: criteria provided, single submitter. Criteria: Ambry Variant Classification Scheme 2023. Collection method: clinical testing. Allele origin: germline.

Labcorp Genetics (formerly Invitae), Labcorp
Classification: Uncertain significance for Epileptic encephalopathy. Last evaluated: 2024-10-07. Review status: criteria provided, single submitter. Criteria: Invitae Variant Classification Sherloc (09022015). Collection method: clinical testing. Allele origin: germline.
Comment: This sequence change replaces leucine, which is neutral and non-polar, with valine, which is neutral and non-polar, at codon 1140 of the FASN protein (p.Leu1140Val). This variant is present in population databases (no rsID available, gnomAD 0.0009%). This variant has not been reported in the literature in individuals affected with FASN-related conditions. ClinVar contains an entry for this variant (Variation ID: 1480457). An algorithm developed to predict the effect of missense changes on protein structure and function (PolyPhen-2) suggests that this variant is likely to be tolerated. In summary, the available evidence is currently insufficient to determine the role of this variant in disease. Therefore, it has been classified as a Variant of Uncertain Significance.

NM_004104.5(FASN):c.3418C>G (p.Leu1140Val)

Gene: FASN (fatty acid synthase; minus strand). Cytogenetic location: 17q25.3.
Variant type: single nucleotide variant.
Coding change: c.3418C>G on transcript NM_004104.5 (MANE Select); coding-DNA position 3418, C replaced by G.
Protein change: p.Leu1140Val; replaces leucine 1140 with valine.
Molecular consequence: missense variant.
Genome position (GRCh38, 1-based): chr17:82,087,059, G>C on the plus strand (C>G on the coding strand, the complement: FASN is on the minus strand). VCF-style: chr17-82087059-G-C. GRCh37 (hg19) VCF-style: chr17-80044935-G-C.
Other names: c.3418C>G (NM_004104.4); short protein forms L1140V.
Identifiers: ClinVar variation 1480457 (VCV001480457.7), dbSNP rs1179838417, ClinGen allele CA401552793.